The following is an entry in ClinVar:

ClinVar aggregate classification (germline): Uncertain significance. Review status: criteria provided, multiple submitters, no conflicts (2 of 4 stars). 2 submissions from 2 submitters: Uncertain significance (2). Last evaluated 2024-05-04.

Conditions:
Hyperkalemic periodic paralysis. Also called: Familial hyperkalemic periodic paralysis; Gamstorp disease. Identifiers: Orphanet 682, MedGen C0238357, MONDO:0008224, OMIM 170500, HP:0007215.
Congenital myopathy 22A, classic (CMYO22A). Identifiers: MedGen C5830453, MONDO:0957247, OMIM 620351.
Potassium-aggravated myotonia. Also called: MYOTONIA CONGENITA, ACETAZOLAMIDE-RESPONSIVE; MYOTONIA CONGENITA, ATYPICAL; SODIUM CHANNEL MUSCLE DISEASE; Myotonia congenita, atypical, acetazolamide-responsive. Identifiers: Orphanet 612, Orphanet 99734, Orphanet 99735, Orphanet 99736, MedGen C2931826, MONDO:0018959, OMIM 608390.
Hypokalemic periodic paralysis, type 2 (HOKPP2). Identifiers: Orphanet 681, MedGen C2750061, MONDO:0013234, OMIM 613345.
Congenital myopathy 22B, severe fetal (CMYO22B). Identifiers: MedGen C5830501, MONDO:0957265, OMIM 620369.
Congenital myasthenic syndrome 16. Identifiers: Orphanet 590, MedGen C3280112, MONDO:0013620, OMIM 614198.
Paramyotonia congenita of Von Eulenburg. Also called: PARALYSIS PERIODICA PARAMYOTONICA; Eulenburg disease; Myotonia congenita intermittens; Von Eulenburg paramyotonia congenita; Paramyotonia Congenita. Identifiers: Orphanet 684, MedGen C0221055, MONDO:0008195, OMIM 168300. Disease mechanism: loss of function.

Allele frequency attached by ClinVar (database versions not stated): TOPMed 0.00001; gnomAD exomes 0.00001.
gnomAD v4.1: 5 of 1,613,878 alleles (0.00031%); highest among the groups gnomAD compares: Non-Finnish European, 0.00042%; no homozygotes.

Submissions (2):

Fulgent Genetics
Classification: Uncertain significance for Paramyotonia congenita of Von Eulenburg; Hyperkalemic periodic paralysis; Potassium-aggravated myotonia; Hypokalemic periodic paralysis, type 2; Congenital myasthenic syndrome 16; Congenital myopathy 22A, classic; Congenital myopathy 22B, severe fetal. Last evaluated: 2024-05-04. Review status: criteria provided, single submitter. Criteria: ACMG Guidelines, 2015. Collection method: clinical testing. Allele origin: germline.

Labcorp Genetics (formerly Invitae), Labcorp
Classification: Uncertain significance for Hyperkalemic periodic paralysis. Last evaluated: 2022-05-27. Review status: criteria provided, single submitter. Criteria: Invitae Variant Classification Sherloc (09022015). Collection method: clinical testing. Allele origin: germline.
Comment: Algorithms developed to predict the effect of missense changes on protein structure and function (SIFT, PolyPhen-2, Align-GVGD) all suggest that this variant is likely to be tolerated. In summary, the available evidence is currently insufficient to determine the role of this variant in disease. Therefore, it has been classified as a Variant of Uncertain Significance. This variant has not been reported in the literature in individuals affected with SCN4A-related conditions. This sequence change replaces alanine, which is neutral and non-polar, with valine, which is neutral and non-polar, at codon 1731 of the SCN4A protein (p.Ala1731Val). This variant is not present in population databases (gnomAD no frequency).

NM_000334.4(SCN4A):c.5192C>T (p.Ala1731Val)

Genes: GH-LCR (growth hormone locus control region; plus strand), SCN4A (sodium voltage-gated channel alpha subunit 4; minus strand). Cytogenetic location: 17q23.3.
Variant type: single nucleotide variant.
Coding change: c.5192C>T on transcript NM_000334.4 (MANE Select); coding-DNA position 5192, C replaced by T.
Protein change: p.Ala1731Val; replaces alanine 1731 with valine.
Molecular consequence: missense variant.
Genome position (GRCh38, 1-based): chr17:63,941,090, G>A on the plus strand (C>T on the coding strand, the complement: SCN4A is on the minus strand). VCF-style: chr17-63941090-G-A. GRCh37 (hg19) VCF-style: chr17-62018450-G-A.
Other names: short protein forms A1731V.
Identifiers: ClinVar variation 1984536 (VCV001984536.5), dbSNP rs944490990, ClinGen allele CA292956459.